The following is an entry in ClinVar:

NM_001145809.2(MYH14):c.5683C>T (p.Arg1895Cys)

Gene: MYH14 (myosin heavy chain 14; plus strand). Cytogenetic location: 19q13.33.
Variant type: single nucleotide variant.
Coding change: c.5683C>T on transcript NM_001145809.2 (MANE Select); coding-DNA position 5683, C replaced by T.
Protein change: p.Arg1895Cys; replaces arginine 1895 with cysteine.
Molecular consequence: missense variant.
Genome position (GRCh38, 1-based): chr19:50,307,053, C>T. VCF-style: chr19-50307053-C-T. GRCh37 (hg19) VCF-style: chr19-50810310-C-T.
Other names: c.5584C>T, p.Arg1862Cys (NM_001077186.2); c.5560C>T, p.Arg1854Cys (NM_024729.4); short protein forms R1895C, R1862C, R1854C.
Identifiers: ClinVar variation 504622 (VCV000504622.18), dbSNP rs200485394, ClinGen allele CA9593880.

ClinVar aggregate classification (germline): Benign/Likely benign. Review status: criteria provided, multiple submitters, no conflicts (2 of 4 stars). 5 submissions from 5 submitters: Benign (1); Likely benign (4). Last evaluated 2025-12-01.

Conditions:
MYH14-related disorder. Also called: MYH14-related condition.

Allele frequency attached by ClinVar (database versions not stated): gnomAD exomes 0.00022 and 0.00030; ExAC 0.00035; ESP Exome Variant Server 0.00049; gnomAD 0.00059 and 0.00062; TOPMed 0.00089; 1000 Genomes Project 0.00100; 1000 Genomes Project 30x 0.00109.
gnomAD v4.1: 398 of 1,547,754 alleles (0.026%); highest among the groups gnomAD compares: African/African-American, 0.2%; no homozygotes.

Submissions (5):

Labcorp Genetics (formerly Invitae), Labcorp
Classification: Likely benign. Last evaluated: 2025-12-01. Review status: criteria provided, single submitter. Criteria: Invitae Variant Classification Sherloc (09022015). Collection method: clinical testing. Allele origin: germline.

PreventionGenetics, part of Exact Sciences
Classification: Likely benign for MYH14-related condition. Last evaluated: 2025-03-12. Review status: criteria provided, single submitter. Criteria: ACMG Guidelines, 2015. Collection method: clinical testing. Allele origin: germline.
Comment: This variant is classified as likely benign based on ACMG/AMP sequence variant interpretation guidelines (Richards et al. 2015 PMID: 25741868, with internal and published modifications).

Blueprint Genetics
Classification: Likely benign. Last evaluated: 2024-10-09. Review status: criteria provided, single submitter. Criteria: ACMG Guidelines, 2015. Collection method: clinical testing. Allele origin: germline.

GeneDx
Classification: Likely benign. Last evaluated: 2021-05-26. Review status: criteria provided, single submitter. Criteria: GeneDx Variant Classification Process June 2021. Collection method: clinical testing. Allele origin: germline. Affected: yes.
Comment: In silico analysis supports that this missense variant has a deleterious effect on protein structure/function; Has not been previously published as pathogenic or benign to our knowledge

Laboratory for Molecular Medicine, Mass General Brigham Personalized Medicine
Classification: Benign. Last evaluated: 2019-03-05. Review status: criteria provided, single submitter. Criteria: LMM Criteria. Collection method: clinical testing. Allele origin: germline. Observed: 4 variant alleles.
Comment: The p.Arg1895Cys variant in MYH14 is classified as benign because it has been identified in 0.2% (33/16692) of African chromosomes by gnomAD. ACMG/AMP criteria applied: BA1.